The following is an entry in ClinVar:

ClinVar aggregate classification (germline): Likely benign (0 of 4 stars; one submission).

Conditions:
PIEZO2-related disorder. Also called: PIEZO2-related condition; PIEZO2-related disorders.

Allele frequency attached by ClinVar (database versions not stated): ExAC 0.00001; TOPMed 0.00001; gnomAD 0.00002; gnomAD exomes 0.00007.
gnomAD v4.1: 114 of 1,614,096 alleles (0.0071%); highest among the groups gnomAD compares: Non-Finnish European, 0.0089%; no homozygotes.

Submission:

PreventionGenetics, part of Exact Sciences
Classification: Likely benign for PIEZO2-related condition. Last evaluated: 2019-06-11. Review status: no assertion criteria provided. Collection method: clinical testing. Allele origin: germline.
Comment: This variant is classified as likely benign based on ACMG/AMP sequence variant interpretation guidelines (Richards et al. 2015 PMID: 25741868, with internal and published modifications).

NM_001378183.1(PIEZO2):c.7002C>T (p.Thr2334=)

Gene: PIEZO2 (piezo type mechanosensitive ion channel component 2; minus strand). Cytogenetic location: 18p11.22.
Variant type: single nucleotide variant.
Coding change: c.7002C>T on transcript NM_001378183.1 (MANE Select); coding-DNA position 7002, C replaced by T.
Protein change: p.Thr2334=; no amino-acid change (threonine 2334 retained).
Molecular consequence: synonymous variant.
Genome position (GRCh38, 1-based): chr18:10,696,262, G>A on the plus strand (C>T on the coding strand, the complement: PIEZO2 is on the minus strand). VCF-style: chr18-10696262-G-A. GRCh37 (hg19) VCF-style: chr18-10696260-G-A.
Other names: c.6738C>T, p.Thr2246= (NM_001410871.1); c.6663C>T, p.Thr2221= (NM_022068.4).
Identifiers: ClinVar variation 3034252 (VCV003034252.2), dbSNP rs770096177, ClinGen allele CA8892096.
Genomic context (GRCh38, chr18:10,696,262, plus strand): 5'-AAACTGAATGAGGACCATCACCAAAAACGGCCCCGGGACCTGGTCCTCTGACAGTGAAGA[G>A]GTGATGTCTGCAGCTGCTGAGTGTTTCTGGGGAAGAGACAACAAATTCATGCCCAAGAGA-3'
Protein context (NP_001365112.1, residues 2324-2344): FGKHSAAADI[Thr2334=]SSLSEDQVPG